The following is an entry in ClinVar:

NM_014000.3(VCL):c.401T>G (p.Ile134Ser)

Gene: VCL (vinculin; plus strand). Cytogenetic location: 10q22.2.
Variant type: single nucleotide variant.
Coding change: c.401T>G on transcript NM_014000.3 (MANE Select); coding-DNA position 401, T replaced by G.
Protein change: p.Ile134Ser; replaces isoleucine 134 with serine.
Molecular consequence: missense variant.
Genome position (GRCh38, 1-based): chr10:74,070,985, T>G. VCF-style: chr10-74070985-T-G. GRCh37 (hg19) VCF-style: chr10-75830743-T-G.
Other names: c.401T>G, p.Ile134Ser (NM_003373.4); short protein forms I134S.
Identifiers: ClinVar variation 4707901 (VCV004707901.1).

ClinVar aggregate classification (germline): Uncertain significance (1 of 4 stars; one submission).

Conditions:
Dilated cardiomyopathy 1W (CMD1W). Identifiers: Orphanet 154, MedGen C1969639, MONDO:0012667, OMIM 611407.

Submission:

Labcorp Genetics (formerly Invitae), Labcorp
Classification: Uncertain significance for Dilated cardiomyopathy 1W. Last evaluated: 2025-05-21. Review status: criteria provided, single submitter. Criteria: Invitae Variant Classification Sherloc (09022015). Collection method: clinical testing. Allele origin: germline.
Comment: This sequence change replaces isoleucine, which is neutral and non-polar, with serine, which is neutral and polar, at codon 134 of the VCL protein (p.Ile134Ser). This variant is not present in population databases (gnomAD no frequency). This variant has not been reported in the literature in individuals affected with VCL-related conditions. An algorithm developed to predict the effect of missense changes on protein structure and function (PolyPhen-2) suggests that this variant is likely to be disruptive. In summary, the available evidence is currently insufficient to determine the role of this variant in disease. Therefore, it has been classified as a Variant of Uncertain Significance.